The following is an entry in ClinVar:

NM_006912.6(RIT1):c.547C>T (p.Arg183Cys)

Gene: RIT1 (Ras like without CAAX 1; minus strand). Cytogenetic location: 1q22.
Variant type: single nucleotide variant.
Coding change: c.547C>T on transcript NM_006912.6 (MANE Select); coding-DNA position 547, C replaced by T.
Protein change: p.Arg183Cys; replaces arginine 183 with cysteine.
Molecular consequence: missense variant.
Genome position (GRCh38, 1-based): chr1:155,900,501, G>A on the plus strand (C>T on the coding strand, the complement: RIT1 is on the minus strand). VCF-style: chr1-155900501-G-A. GRCh37 (hg19) VCF-style: chr1-155870292-G-A.
Other names: c.439C>T, p.Arg147Cys (NM_001256820.2); c.598C>T, p.Arg200Cys (NM_001256821.2); c.547C>T (NM_006912.4); short protein forms R183C, R200C, R147C.
Identifiers: ClinVar variation 2917810 (VCV002917810.4), dbSNP rs770853133, ClinGen allele CA1151773.
Genomic context (GRCh38, chr1:155,900,501, plus strand): 5'-CACTGTTTTTGGGCTTAGATTTTTTCTCCATGGCCAGTACTGCCTCCTTTTCTTTCCTAC[G>A]TATCTCCCGTACAAGGGCATGGAAAACATCATCAATATAGTAGCGGTATGCAGCAGATGT-3'
Protein context (NP_008843.1, residues 173-193): DVFHALVREI[Arg183Cys]RKEKEAVLAM

ClinVar aggregate classification (germline): Uncertain significance. Review status: criteria provided, multiple submitters, no conflicts (2 of 4 stars). 2 submissions from 2 submitters: Uncertain significance (2). Last evaluated 2025-04-22.

Conditions:
Cardiovascular phenotype. Identifiers: MedGen CN230736.
Noonan syndrome 8 (NS8). Identifiers: Orphanet 648, MedGen C3809233, MONDO:0014143, OMIM 615355.

Allele frequency attached by ClinVar (database versions not stated): gnomAD exomes below 0.00001; gnomAD 0.00001; ExAC 0.00002; TOPMed 0.00002.

Submissions (2):

Ambry Genetics
Classification: Uncertain significance for Cardiovascular phenotype. Last evaluated: 2025-04-22. Review status: criteria provided, single submitter. Criteria: Ambry Variant Classification Scheme 2023. Collection method: clinical testing. Allele origin: germline.
Comment: The p.R183C variant (also known as c.547C>T), located in coding exon 5 of the RIT1 gene, results from a C to T substitution at nucleotide position 547. The arginine at codon 183 is replaced by cysteine, an amino acid with highly dissimilar properties. This amino acid position is highly conserved in available vertebrate species. In addition, this alteration is predicted to be deleterious by in silico analysis. Based on the available evidence, the clinical significance of this variant remains unclear.

Labcorp Genetics (formerly Invitae), Labcorp
Classification: Uncertain significance for Noonan syndrome 8. Last evaluated: 2024-01-08. Review status: criteria provided, single submitter. Criteria: Invitae Variant Classification Sherloc (09022015). Collection method: clinical testing. Allele origin: germline.
Comment: This sequence change replaces arginine, which is basic and polar, with cysteine, which is neutral and slightly polar, at codon 183 of the RIT1 protein (p.Arg183Cys). This variant is present in population databases (rs770853133, gnomAD 0.007%). This variant has not been reported in the literature in individuals affected with RIT1-related conditions. Advanced modeling performed at Invitae incorporating data from internal and/or published experimental studies (Invitae) indicates that this missense variant is not expected to disrupt RIT1 function with a negative predictive value of 95%. In summary, the available evidence is currently insufficient to determine the role of this variant in disease. Therefore, it has been classified as a Variant of Uncertain Significance.